The following is an entry in ClinVar:

ClinVar aggregate classification (germline): Uncertain significance (1 of 4 stars; one submission).

Conditions:
SMG8-related disorder. Also called: SMG8-related condition.

Submission:

PreventionGenetics, part of Exact Sciences
Classification: Uncertain significance for SMG8-related condition. Last evaluated: 2023-05-30. Review status: criteria provided, single submitter. Criteria: ACMG Guidelines, 2015. Collection method: clinical testing. Allele origin: germline.
Comment: The SMG8 c.2729T>G variant is predicted to result in the amino acid substitution p.Leu910Arg. To our knowledge, this variant has not been reported in the literature or in a large population database, indicating this variant is rare. At this time, the clinical significance of this variant is uncertain due to the absence of conclusive functional and genetic evidence.

NM_018149.7(SMG8):c.2729T>G (p.Leu910Arg)

Gene: SMG8 (SMG8 nonsense mediated mRNA decay factor; plus strand). Cytogenetic location: 17q22.
Variant type: single nucleotide variant.
Coding change: c.2729T>G on transcript NM_018149.7 (MANE Select); coding-DNA position 2729, T replaced by G.
Protein change: p.Leu910Arg; replaces leucine 910 with arginine.
Molecular consequence: missense variant.
Genome position (GRCh38, 1-based): chr17:59,213,552, T>G. VCF-style: chr17-59213552-T-G. GRCh37 (hg19) VCF-style: chr17-57290913-T-G.
Other names: short protein forms L910R.
Identifiers: ClinVar variation 2632402 (VCV002632402.1), dbSNP rs2546574647, ClinGen allele CA400401240.